The following is an entry in ClinVar:

NM_000152.5(GAA):c.1376A>T (p.Asp459Val)

Gene: GAA (alpha glucosidase; plus strand). Cytogenetic location: 17q25.3.
Variant type: single nucleotide variant.
Coding change: c.1376A>T on transcript NM_000152.5 (MANE Select); coding-DNA position 1376, A replaced by T.
Protein change: p.Asp459Val; replaces aspartic acid 459 with valine.
Molecular consequence: missense variant.
Genome position (GRCh38, 1-based): chr17:80,109,994, A>T. VCF-style: chr17-80109994-A-T. GRCh37 (hg19) VCF-style: chr17-78083793-A-T.
Other names: c.1376A>T, p.Asp459Val (NM_001079803.3, NM_001079804.3); short protein forms D459V.
Identifiers: ClinVar variation 1483894 (VCV001483894.6), dbSNP rs2143866303, ClinGen allele CA401366440.

ClinVar aggregate classification (germline): Likely pathogenic (1 of 4 stars; one submission).

Conditions:
Glycogen storage disease, type II (IOPD). Also called: POMPE DISEASE, INFANTILE-ONSET; GLYCOGEN STORAGE DISEASE II, INFANTILE-ONSET; ACID ALPHA-GLUCOSIDASE DEFICIENCY, INFANTILE-ONSET; GAA DEFICIENCY, INFANTILE-ONSET; ACID MALTASE DEFICIENCY, INFANTILE-ONSET; GLYCOGENOSIS, GENERALIZED, CARDIAC FORM. Identifiers: Orphanet 365, MedGen C0017921, MONDO:0009290, OMIM 232300.

Submission:

Labcorp Genetics (formerly Invitae), Labcorp
Classification: Likely pathogenic for Glycogen storage disease, type II. Last evaluated: 2021-09-10. Review status: criteria provided, single submitter. Criteria: Invitae Variant Classification Sherloc (09022015). Collection method: clinical testing. Allele origin: germline.
Comment: This sequence change replaces aspartic acid with valine at codon 459 of the GAA protein (p.Asp459Val). The aspartic acid residue is highly conserved and there is a large physicochemical difference between aspartic acid and valine. This variant is not present in population databases (ExAC no frequency). This variant has not been reported in the literature in individuals affected with GAA-related conditions. Advanced modeling of protein sequence and biophysical properties (such as structural, functional, and spatial information, amino acid conservation, physicochemical variation, residue mobility, and thermodynamic stability) performed at Invitae indicates that this missense variant is expected to disrupt GAA protein function. This variant disrupts the p.Asp459 amino acid residue in GAA. Other variant(s) that disrupt this residue have been determined to be pathogenic (PMID: 18458862, 21484825, 21757382). This suggests that this residue is clinically significant, and that variants that disrupt this residue are likely to be disease-causing. In summary, the currently available evidence indicates that the variant is pathogenic, but additional data are needed to prove that conclusively. Therefore, this variant has been classified as Likely Pathogenic.

Literature cited by the submitters: PubMed 18458862; PubMed 21484825; PubMed 21757382.